The following is an entry in ClinVar:

NM_001020658.2(PUM1):c.1336G>A (p.Ala446Thr)

Gene: PUM1 (pumilio RNA binding family member 1; minus strand). Cytogenetic location: 1p35.2.
Variant type: single nucleotide variant.
Coding change: c.1336G>A on transcript NM_001020658.2 (MANE Select); coding-DNA position 1336, G replaced by A.
Protein change: p.Ala446Thr; replaces alanine 446 with threonine.
Molecular consequence: missense variant.
Genome position (GRCh38, 1-based): chr1:30,980,080, C>T on the plus strand (G>A on the coding strand, the complement: PUM1 is on the minus strand). VCF-style: chr1-30980080-C-T. GRCh37 (hg19) VCF-style: chr1-31452927-C-T.
Other names: c.1336G>A, p.Ala446Thr (NM_014676.3); short protein forms A446T.
Identifiers: ClinVar variation 1694504 (VCV001694504.31), dbSNP rs2124467484, ClinGen allele CA339567596.

ClinVar aggregate classification (germline): Uncertain significance (1 of 4 stars; one submission).

Submission:

CeGaT Center for Human Genetics Tuebingen
Classification: Uncertain significance. Last evaluated: 2022-05-01. Review status: criteria provided, single submitter. Criteria: CeGaT Center For Human Genetics Tuebingen Variant Classification Criteria Version 2. Collection method: clinical testing. Allele origin: germline. Affected: yes. Observed: 1 variant allele.
Comment: PUM1: PM2, PP2